The following is an entry in ClinVar:

NM_004006.3(DMD):c.3306G>T (p.Gln1102His)

Gene: DMD (dystrophin; minus strand). Cytogenetic location: Xp21.1.
Variant type: single nucleotide variant.
Coding change: c.3306G>T on transcript NM_004006.3 (MANE Select); coding-DNA position 3306, G replaced by T.
Protein change: p.Gln1102His; replaces glutamine 1102 with histidine.
Molecular consequence: missense variant.
Genome position (GRCh38, 1-based): chrX:32,463,565, C>A on the plus strand (G>T on the coding strand, the complement: DMD is on the minus strand). VCF-style: chrX-32463565-C-A. GRCh37 (hg19) VCF-style: chrX-32481682-C-A.
Other names: c.3282G>T, p.Gln1094His (NM_000109.4); c.3294G>T, p.Gln1098His (NM_004009.3); c.2937G>T, p.Gln979His (NM_004010.3); short protein forms Q1094H, Q1098H, Q1102H, Q979H.
Identifiers: ClinVar variation 1055898 (VCV001055898.10), dbSNP rs2148419656, ClinGen allele CA412664569.
Genomic context (GRCh38, chrX:32,463,565, plus strand): 5'-CTCTGGCTCTGCTTCATTCTTTATCTTCTGCCCACCTTCATTGACACTGTTTAGACTGGG[C>A]TGAATTGTCTGAATATCACTGACTAAAAGCTAAGAAAATAAATCAATTTAAGCCAGCTGA-3'
Protein context (NP_003997.2, residues 1092-1112): RLLVSDIQTI[Gln1102His]PSLNSVNEGG

ClinVar aggregate classification (germline): Uncertain significance. Review status: criteria provided, single submitter (1 of 4 stars). 2 submissions from 2 submitters: Uncertain significance (1). 1 of the submissions does not count toward it. Last evaluated 2020-08-21.

Conditions:
Cardiomyopathy (CMYO). Also called: Cardiomyopathies. Identifiers: Orphanet 167848, MedGen C0878544, MONDO:0004994, HP:0001638. Inheritance: Various modes of inheritance.
Dystrophin deficiency.
Duchenne muscular dystrophy (DMD). Also called: MUSCULAR DYSTROPHY, PSEUDOHYPERTROPHIC PROGRESSIVE, DUCHENNE TYPE; Duchenne Muscular Dystrophy (DMD). Identifiers: Orphanet 98896, MedGen C0013264, MONDO:0010679, OMIM 310200.
Becker muscular dystrophy (BMD). Also called: Becker Muscular Dystrophy (BMD); MUSCULAR DYSTROPHY, PSEUDOHYPERTROPHIC PROGRESSIVE, BECKER TYPE. Identifiers: Orphanet 98895, MedGen C0917713, MONDO:0010311, OMIM 300376.

Submissions (2):

Labcorp Genetics (formerly Invitae), Labcorp
Classification: Uncertain significance for Duchenne muscular dystrophy. Last evaluated: 2020-08-21. Review status: criteria provided, single submitter. Criteria: Invitae Variant Classification Sherloc (09022015). Collection method: clinical testing. Allele origin: germline.
Comment: In summary, the available evidence is currently insufficient to determine the role of this variant in disease. Therefore, it has been classified as a Variant of Uncertain Significance. Algorithms developed to predict the effect of missense changes on protein structure and function output the following: SIFT: "Deleterious"; PolyPhen-2: "Probably Damaging"; Align-GVGD: "Class C0". The histidine amino acid residue is found in multiple mammalian species, suggesting that this missense change does not adversely affect protein function. These predictions have not been confirmed by published functional studies and their clinical significance is uncertain. This variant has not been reported in the literature in individuals with DMD-related conditions. This variant is not present in population databases (ExAC no frequency). This sequence change replaces glutamine with histidine at codon 1102 of the DMD protein (p.Gln1102His). The glutamine residue is highly conserved and there is a small physicochemical difference between glutamine and histidine.

Natera, Inc.
Classification: Uncertain significance for Becker muscular dystrophy; Cardiomyopathy; Duchenne muscular dystrophy; Dystrophin deficiency. Last evaluated: 2018-12-17. Review status: no assertion criteria provided. Collection method: clinical testing. Allele origin: germline. Not counted in ClinVar's aggregate classification.